The following is an entry in ClinVar:

ClinVar aggregate classification (germline): Conflicting classifications of pathogenicity. Review status: criteria provided, conflicting classifications (1 of 4 stars). 5 submissions from 5 submitters: Uncertain significance (2); Likely benign (3). Last evaluated 2025-11-27.

Conditions:
Monogenic diabetes. Identifiers: Orphanet 183625, MedGen C3888631, MONDO:0015967.
Megaloblastic anemia, thiamine-responsive, with diabetes mellitus and sensorineural deafness (TRMA). Also called: ROGERS SYNDROME; THIAMINE-RESPONSIVE ANEMIA SYNDROME; THIAMINE-RESPONSIVE MYELODYSPLASIA; Thiamine-Responsive Megaloblastic Anemia Syndrome; THIAMINE METABOLISM DYSFUNCTION SYNDROME 1 (MEGALOBLASTIC ANEMIA, DIABETES MELLITUS, AND DEAFNESS TYPE). Identifiers: Orphanet 49827, MedGen C0342287, MONDO:0009575, OMIM 249270.

Allele frequency attached by ClinVar (database versions not stated): 1000 Genomes Project 0.00060; gnomAD 0.00083; 1000 Genomes Project 30x 0.00094; TOPMed 0.00110; ESP Exome Variant Server 0.00123.
gnomAD v4.1: 283 of 1,613,916 alleles (0.018%); highest among the groups gnomAD compares: African/African-American, 0.33%; 2 homozygotes.

Submissions (5):

Labcorp Genetics (formerly Invitae), Labcorp
Classification: Likely benign. Last evaluated: 2025-11-27. Review status: criteria provided, single submitter. Criteria: Invitae Variant Classification Sherloc (09022015). Collection method: clinical testing. Allele origin: germline.

Blueprint Genetics
Classification: Likely benign. Last evaluated: 2024-01-10. Review status: criteria provided, single submitter. Criteria: ACMG Guidelines, 2015. Collection method: clinical testing. Allele origin: germline.

ARUP Laboratories, Molecular Genetics and Genomics, ARUP Laboratories
Classification: Uncertain significance for Megaloblastic anemia, thiamine-responsive, with diabetes mellitus and sensorineural deafness. Last evaluated: 2022-03-01. Review status: criteria provided, single submitter. Criteria: ARUP Molecular Germline Variant Investigation Process 2021. Collection method: clinical testing. Allele origin: germline.
Comment: The SLC19A2 c.824G>T; p.Arg275Leu variant (rs61734338), to our knowledge, is not reported in the medical literature but is reported in ClinVar (Variation ID: 393365). This variant is found in the African/African-American population with an allele frequency of 0.34% (84/24956 alleles, including a single homozygote) in the Genome Aggregation Database. The arginine at codon 275 is weakly conserved, and computational analyses are uncertain whether this variant is neutral or deleterious (REVEL: 0.228). While the high population frequency suggests that this is likely a benign variant, given the lack of clinical and functional data, the significance of this variant is uncertain at this time.

GeneDx
Classification: Likely benign. Last evaluated: 2021-05-15. Review status: criteria provided, single submitter. Criteria: GeneDx Variant Classification Process June 2021. Collection method: clinical testing. Allele origin: germline. Affected: yes.

Personalized Diabetes Medicine Program, University of Maryland School of Medicine
Classification: Uncertain significance for Monogenic diabetes. Last evaluated: 2017-10-13. Review status: criteria provided, single submitter. Criteria: ACMG Guidelines, 2015. Collection method: research. Allele origin: unknown. Observed: 2 variant alleles, 2 heterozygotes.
Comment: ACMG criteria: PP3 (2 predictors), BP4 (9 predictors)=VUS

NM_006996.3(SLC19A2):c.824G>T (p.Arg275Leu)

Gene: SLC19A2 (solute carrier family 19 member 2; minus strand). Cytogenetic location: 1q24.2.
Variant type: single nucleotide variant.
Coding change: c.824G>T on transcript NM_006996.3 (MANE Select); coding-DNA position 824, G replaced by T.
Protein change: p.Arg275Leu; replaces arginine 275 with leucine.
Molecular consequence: missense variant.
Genome position (GRCh38, 1-based): chr1:169,470,170, C>A on the plus strand (G>T on the coding strand, the complement: SLC19A2 is on the minus strand). VCF-style: chr1-169470170-C-A. GRCh37 (hg19) VCF-style: chr1-169439408-C-A.
Other names: c.221G>T, p.Arg74Leu (NM_001319667.1); short protein forms R275L, R74L.
Identifiers: ClinVar variation 393365 (VCV000393365.17), dbSNP rs61734338, ClinGen allele CA1232987.
Genomic context (GRCh38, chr1:169,470,170, plus strand): 5'-AGAGGGCGAGAGGAGTAGCACATCAGGAAATCATTCCATAGTACTTTCAATACAAGGAGA[C>A]GGTCTGGCTTGGGTTCCTACATAGCAAAAGGGAACAATGCTCAAACTCTGATGAAGGCAA-3'
Protein context (NP_008927.1, residues 265-285): PVEEPEPKPD[Arg275Leu]LLVLKVLWND